The following is an entry in ClinVar:

ClinVar aggregate classification (germline): Uncertain significance (1 of 4 stars; one submission).

Conditions:
Angelman syndrome (AS). Also called: HAPPY PUPPET SYNDROME. Identifiers: Orphanet 72, MedGen C0162635, MONDO:0007113, OMIM 105830. Disease mechanism: loss of function. Inheritance: imprinting disorder, AS is caused by disruption of maternally imprinted UBE3A located within the 15q11.2-q13 Angelman syndrome/Prader-Willi syndrome (AS/PWS) region..

Submission:

Labcorp Genetics (formerly Invitae), Labcorp
Classification: Uncertain significance for Angelman syndrome. Last evaluated: 2022-03-12. Review status: criteria provided, single submitter. Criteria: Invitae Variant Classification Sherloc (09022015). Collection method: clinical testing. Allele origin: germline.
Comment: This variant is not present in population databases (gnomAD no frequency). This sequence change replaces glutamic acid, which is acidic and polar, with glycine, which is neutral and non-polar, at codon 375 of the UBE3A protein (p.Glu375Gly). Algorithms developed to predict the effect of missense changes on protein structure and function are either unavailable or do not agree on the potential impact of this missense change (SIFT: "Not Available"; PolyPhen-2: "Benign"; Align-GVGD: "Not Available"). This variant has not been reported in the literature in individuals affected with UBE3A-related conditions. In summary, the available evidence is currently insufficient to determine the role of this variant in disease. Therefore, it has been classified as a Variant of Uncertain Significance.

NM_130839.5(UBE3A):c.1184A>G (p.Glu395Gly)

Genes: SNHG14 (small nucleolar RNA host gene 14; plus strand), UBE3A (ubiquitin protein ligase E3A; minus strand). Cytogenetic location: 15q11.2.
Variant type: single nucleotide variant.
Coding change: c.1184A>G on transcript NM_130839.5 (MANE Select); coding-DNA position 1184, A replaced by G.
Protein change: p.Glu395Gly; replaces glutamic acid 395 with glycine.
Molecular consequence: missense variant. On other transcripts: non-coding transcript variant (1), intron variant (2).
Genome position (GRCh38, 1-based): chr15:25,370,990, T>C on the plus strand (A>G on the coding strand, the complement: UBE3A is on the minus strand). VCF-style: chr15-25370990-T-C. GRCh37 (hg19) VCF-style: chr15-25616137-T-C.
Other names: c.1193A>G, p.Glu398Gly (NM_000462.5); c.1184A>G, p.Glu395Gly (NM_001354505.1, NM_001354538.2, NM_001354545.2); c.1124A>G, p.Glu375Gly (NM_001354506.2, NM_001354507.2, NM_001354508.2 and 17 more transcripts); c.1007A>G, p.Glu336Gly (NM_001354546.2); c.301+4475A>G (NM_001354551.2); c.361+4475A>G (NM_001354550.2); short protein forms E398G, E336G, E375G, E395G.
Identifiers: ClinVar variation 2147437 (VCV002147437.4), dbSNP rs2552191602, ClinGen allele CA391354168.